The following is an entry in ClinVar:

NM_004990.4(MARS1):c.2248G>C (p.Ala750Pro)

Gene: MARS1 (methionyl-tRNA synthetase 1; plus strand). Cytogenetic location: 12q13.3.
Variant type: single nucleotide variant.
Coding change: c.2248G>C on transcript NM_004990.4 (MANE Select); coding-DNA position 2248, G replaced by C.
Protein change: p.Ala750Pro; replaces alanine 750 with proline.
Molecular consequence: missense variant.
Genome position (GRCh38, 1-based): chr12:57,515,193, G>C. VCF-style: chr12-57515193-G-C. GRCh37 (hg19) VCF-style: chr12-57908976-G-C.
Other names: short protein forms A750P.
Identifiers: ClinVar variation 3368420 (VCV003368420.1).

ClinVar aggregate classification (germline): Uncertain significance (1 of 4 stars; one submission).

Submission:

GeneDx
Classification: Uncertain significance. Last evaluated: 2024-01-26. Review status: criteria provided, single submitter. Criteria: GeneDx Variant Classification Process June 2021. Collection method: clinical testing. Allele origin: germline. Affected: yes.
Comment: Not observed at significant frequency in large population cohorts (gnomAD); In silico analysis supports that this missense variant has a deleterious effect on protein structure/function; Has not been previously published as pathogenic or benign to our knowledge